The following is an entry in ClinVar:

NM_014009.4(FOXP3):c.-23+151_-23+152insAAA

Gene: FOXP3 (forkhead box P3; minus strand). Cytogenetic location: Xp11.23.
Variant type: Insertion.
Coding change: c.-23+151_-23+152insAAA on transcript NM_014009.4 (MANE Select); bases 151 to 152 of the intron after 23 bases upstream of the start codon, AAA inserted.
Molecular consequence: intron variant.
Genome position: GRCh38 VCF-style: chrX-49264509-A-ATTT. GRCh37 (hg19) VCF-style: chrX-49120971-A-ATTT.
Other names: c.-23+151_-23+152insAAA (NM_001114377.2).
Identifiers: ClinVar variation 2688117 (VCV002688117.2), dbSNP rs2519202792, ClinGen allele CA2697553112.
Genomic context (GRCh38, chrX:49,264,509, plus strand): 5'-TATTTTTGCCCCTGCCCATGCATTAAGTACTTCACCTTTAAGTCTTCTGCCATTTATTCT[A>ATTT]TTATTTTTTTAAAGACCTTACCTGGCTGGAATCACGGTAGCTGGGTACATCCCACTGTAC-3'

ClinVar aggregate classification (germline): Benign (1 of 4 stars; one submission).

Submission:

Unidad de Genómica Garrahan, Hospital de Pediatría Garrahan
Classification: Benign. Last evaluated: 2024-01-24. Review status: criteria provided, single submitter. Criteria: ACMG Guidelines, 2015. Collection method: clinical testing. Allele origin: germline. Affected: no. Observed: 49 variant alleles.
Comment: This variant is classified as Benign based on local population frequency. This variant was detected in 52% of patients studied by a panel of primary immunodeficiencies. Number of patients: 49. Only high quality variants are reported.